The following is an entry in ClinVar:

NM_006348.5(COG5):c.1290C>A (p.Phe430Leu)

Gene: COG5 (component of oligomeric golgi complex 5; minus strand). Cytogenetic location: 7q22.3.
Variant type: single nucleotide variant.
Coding change: c.1290C>A on transcript NM_006348.5 (MANE Select); coding-DNA position 1290, C replaced by A.
Protein change: p.Phe430Leu; replaces phenylalanine 430 with leucine.
Molecular consequence: missense variant.
Genome position (GRCh38, 1-based): chr7:107,298,165, G>T on the plus strand (C>A on the coding strand, the complement: COG5 is on the minus strand). VCF-style: chr7-107298165-G-T. GRCh37 (hg19) VCF-style: chr7-106938610-G-T.
Other names: c.1290C>A, p.Phe430Leu (NM_001161520.2, NM_001379511.1, NM_001379512.1 and 3 more transcripts); c.720C>A, p.Phe240Leu (NM_001379515.1); c.576C>A, p.Phe192Leu (NM_001379516.1); short protein forms F461L, F430L, F240L, F192L.
Identifiers: ClinVar variation 358460 (VCV000358460.14), dbSNP rs184902233, ClinGen allele CA4430961.

ClinVar aggregate classification (germline): Benign/Likely benign. Review status: criteria provided, multiple submitters, no conflicts (2 of 4 stars). 3 submissions from 3 submitters: Benign (2); Likely benign (1). Last evaluated 2026-01-21.

Conditions:
COG5-congenital disorder of glycosylation. Also called: CONGENITAL DISORDER OF GLYCOSYLATION, TYPE IIi; CDG IIi; COG5-CDG. Identifiers: Orphanet 263487, MedGen C3150876, MONDO:0013325, OMIM 613612.

Allele frequency attached by ClinVar (database versions not stated): gnomAD exomes 0.00030 and 0.00144; gnomAD 0.00056 and 0.00069; TOPMed 0.00077; ExAC 0.00135; 1000 Genomes Project 30x 0.00234; 1000 Genomes Project 0.00260.
gnomAD v4.1: 596 of 1,608,602 alleles (0.037%); highest among the groups gnomAD compares: East Asian, 1.1%; 10 homozygotes.

Submissions (3):

Labcorp Genetics (formerly Invitae), Labcorp
Classification: Benign for COG5-congenital disorder of glycosylation. Last evaluated: 2026-01-21. Review status: criteria provided, single submitter. Criteria: Invitae Variant Classification Sherloc (09022015). Collection method: clinical testing. Allele origin: germline.

Illumina Laboratory Services, Illumina
Classification: Likely benign for COG5-congenital disorder of glycosylation. Last evaluated: 2018-01-12. Review status: criteria provided, single submitter. Criteria: ICSL Variant Classification Criteria 13 December 2019. Collection method: clinical testing. Allele origin: germline.
Comment: This variant was observed in the ICSL laboratory as part of a predisposition screen in an ostensibly healthy population. It had not been previously curated by ICSL or reported in the Human Gene Mutation Database (HGMD: prior to June 1st, 2018), and was therefore a candidate for classification through an automated scoring system. Utilizing variant allele frequency, disease prevalence and penetrance estimates, and inheritance mode, an automated score was calculated to assess if this variant is too frequent to cause the disease. Based on the score and internal cut-off values, a variant classified as likely benign is not then subjected to further curation. The score for this variant resulted in a classification of likely benign for this disease.

GeneDx
Classification: Benign. Last evaluated: 2016-04-08. Review status: criteria provided, single submitter. Criteria: GeneDx Variant Classification (06012015). Collection method: clinical testing. Allele origin: germline. Affected: yes.
Comment: This variant is considered likely benign or benign based on one or more of the following criteria: it is a conservative change, it occurs at a poorly conserved position in the protein, it is predicted to be benign by multiple in silico algorithms, and/or has population frequency not consistent with disease.